The following is an entry in ClinVar:

NM_002838.5(PTPRC):c.768G>C (p.Glu256Asp)

Gene: PTPRC (protein tyrosine phosphatase receptor type C; plus strand). Cytogenetic location: 1q32.1.
Variant type: single nucleotide variant.
Coding change: c.768G>C on transcript NM_002838.5 (MANE Select); coding-DNA position 768, G replaced by C.
Protein change: p.Glu256Asp; replaces glutamic acid 256 with aspartic acid.
Molecular consequence: missense variant.
Genome position (GRCh38, 1-based): chr1:198,706,816, G>C. VCF-style: chr1-198706816-G-C. GRCh37 (hg19) VCF-style: chr1-198675945-G-C.
Other names: c.285G>C, p.Glu95Asp (NM_080921.4); short protein forms E256D, E95D.
Identifiers: ClinVar variation 533067 (VCV000533067.9), dbSNP rs780129489, ClinGen allele CA1314614.

ClinVar aggregate classification (germline): Uncertain significance (1 of 4 stars; one submission).

Conditions:
Immunodeficiency 104. Also called: Severe combined immunodeficiency, autosomal recessive, T cell-negative, B cell-positive, NK cell-positive; SCID, AUTOSOMAL RECESSIVE, T CELL-NEGATIVE, B CELL-POSITIVE, NK CELL-POSITIVE; Severe Combined Immune Deficiency, Autosomal Recessive, TCell -Negative, B Cell-Positive, NK Cell-Positive, IL7R-Related; IMMUNODEFICIENCY 104, SEVERE COMBINED. Identifiers: MedGen C5676890, MONDO:0012163, OMIM 608971.

Allele frequency attached by ClinVar (database versions not stated): ExAC 0.00001; gnomAD 0.00001.

Submission:

Labcorp Genetics (formerly Invitae), Labcorp
Classification: Uncertain significance for Immunodeficiency 104. Last evaluated: 2026-01-26. Review status: criteria provided, single submitter. Criteria: Invitae Variant Classification Sherloc (09022015). Collection method: clinical testing. Allele origin: germline.
Comment: This sequence change replaces glutamic acid, which is acidic and polar, with aspartic acid, which is acidic and polar, at codon 256 of the PTPRC protein (p.Glu256Asp). This variant is present in population databases (rs780129489, gnomAD 0.003%). This variant has not been reported in the literature in individuals affected with PTPRC-related conditions. ClinVar contains an entry for this variant (Variation ID: 533067). An algorithm developed to predict the effect of missense changes on protein structure and function outputs the following: PolyPhen-2: "Benign". The aspartic acid amino acid residue is found in multiple mammalian species, which suggests that this missense change does not adversely affect protein function. In summary, the available evidence is currently insufficient to determine the role of this variant in disease. Therefore, it has been classified as a Variant of Uncertain Significance.